The following is an entry in ClinVar:

ClinVar aggregate classification (germline): Uncertain significance (1 of 4 stars; one submission).

Conditions:
Cerebral folate transport deficiency. Also called: FOLATE RECEPTOR DEFICIENCY; NEURODEGENERATION DUE TO CEREBRAL FOLATE TRANSPORT DEFICIENCY; Neurodegenerative syndrome due to cerebral folate transport deficiency; FOLR1-Related Cerebral Folate Transport Deficiency; Cerebral folate deficiency syndrome. Identifiers: Orphanet 217382, MedGen C2751584, MONDO:0013110, OMIM 613068. Disease mechanism: loss of function.

Submission:

Labcorp Genetics (formerly Invitae), Labcorp
Classification: Uncertain significance for Cerebral folate transport deficiency. Last evaluated: 2022-08-23. Review status: criteria provided, single submitter. Criteria: Invitae Variant Classification Sherloc (09022015). Collection method: clinical testing. Allele origin: germline.
Comment: In summary, the available evidence is currently insufficient to determine the role of this variant in disease. Therefore, it has been classified as a Variant of Uncertain Significance. This variant has not been reported in the literature in individuals affected with FOLR1-related conditions. This variant results in a copy number gain of the genomic region encompassing exon(s) 2 of the FOLR1 gene. This region includes the initiator codon of the gene. This copy number gain extends beyond the assayed region for this gene and therefore may encompass additional genes. As the precise location of this event is unknown, it may be in tandem or it may be located elsewhere in the genome.

NC_000011.9:g.(?_71903218)_(71903405_?)dup

Gene: FOLR1 (folate receptor alpha; plus strand). Cytogenetic location: 11q13.4.
Variant type: Duplication.
Identifiers: ClinVar variation 2426314 (VCV002426314.5).